The following is an entry in ClinVar:

NM_138370.3(PKDCC):c.346C>T (p.Pro116Ser)

Genes: PKDCC (protein kinase domain containing, cytoplasmic; plus strand), LOC129933565 (ATAC-STARR-seq lymphoblastoid silent region 11398; plus strand). Cytogenetic location: 2p21.
Variant type: single nucleotide variant.
Coding change: c.346C>T on transcript NM_138370.3 (MANE Select); coding-DNA position 346, C replaced by T.
Protein change: p.Pro116Ser; replaces proline 116 with serine.
Molecular consequence: missense variant.
Genome position (GRCh38, 1-based): chr2:42,048,545, C>T. VCF-style: chr2-42048545-C-T. GRCh37 (hg19) VCF-style: chr2-42275685-C-T.
Other names: c.346C>T (NM_138370.2); short protein forms P116S.
Identifiers: ClinVar variation 1464512 (VCV001464512.7), dbSNP rs1020789099, ClinGen allele CA46354000.
Genomic context (GRCh38, chr2:42,048,545, plus strand): 5'-GGCCTGCCGCGCCCCCGGCCCCCTTGGGCCCGGCCCCTGTCCGACGGCGCCCCAGGCTGG[C>T]CCCCGGCTCCCGGCCCAGGCTCCCCCGGCCCGGGCCCGCGCCTGGGCTGCGCCGCGCTTC-3'
Protein context (NP_612379.2, residues 106-126): RPLSDGAPGW[Pro116Ser]PAPGPGSPGP

ClinVar aggregate classification (germline): Uncertain significance. Review status: criteria provided, multiple submitters, no conflicts (2 of 4 stars). 2 submissions from 2 submitters: Uncertain significance (2). Last evaluated 2025-03-31.

Conditions:
Inborn genetic diseases. Identifiers: MedGen C0950123, MeSH D030342.

Allele frequency attached by ClinVar (database versions not stated): gnomAD exomes below 0.00001; gnomAD 0.00001.
gnomAD v4.1: 3 of 1,261,388 alleles (0.00024%); highest among the groups gnomAD compares: African/African-American, 0.0047%; no homozygotes.

Submissions (2):

Labcorp Genetics (formerly Invitae), Labcorp
Classification: Uncertain significance. Last evaluated: 2025-03-31. Review status: criteria provided, single submitter. Criteria: Invitae Variant Classification Sherloc (09022015). Collection method: clinical testing. Allele origin: germline.
Comment: This sequence change replaces proline, which is neutral and non-polar, with serine, which is neutral and polar, at codon 116 of the PKDCC protein (p.Pro116Ser). This variant is present in population databases (no rsID available, gnomAD 0.01%). This variant has not been reported in the literature in individuals affected with PKDCC-related conditions. ClinVar contains an entry for this variant (Variation ID: 1464512). An algorithm developed to predict the effect of missense changes on protein structure and function (PolyPhen-2) suggests that this variant is likely to be tolerated. In summary, the available evidence is currently insufficient to determine the role of this variant in disease. Therefore, it has been classified as a Variant of Uncertain Significance.

Ambry Genetics
Classification: Uncertain significance for Inborn genetic diseases. Last evaluated: 2025-01-25. Review status: criteria provided, single submitter. Criteria: Ambry Variant Classification Scheme 2023. Collection method: clinical testing. Allele origin: germline.